The following is an entry in ClinVar:

NM_000038.6(APC):c.601del (p.Glu201fs)

Gene: APC (APC regulator of Wnt signaling pathway; plus strand). Cytogenetic location: 5q22.2.
Variant type: Deletion.
Coding change: c.601del on transcript NM_000038.6 (MANE Select); coding-DNA position 601, one base deleted (G; older notation c.601delG).
Protein change: p.Glu201fs; shifts the reading frame from glutamic acid 201.
Molecular consequence: frameshift variant. On other transcripts: 5 prime UTR variant (4), non-coding transcript variant (2).
Genome position (GRCh38, 1-based): chr5:112,780,859, G deleted; the last of 2 consecutive G bases (chr5:112,780,858-112,780,859); deleting either gives the same sequence. VCF-style (leftmost placement, unchanged base first): chr5-112780857-TG-T. GRCh37 (hg19) VCF-style: chr5-112116554-TG-T.
Other names: c.601del, p.Glu201fs (NM_001127510.3, NM_001354895.2, NM_001354896.2 and 16 more transcripts); c.631del, p.Glu211fs (NM_001127511.3, NM_001354897.2, NM_001354902.2 and 1 more transcripts); c.526del, p.Glu176fs (NM_001354898.2, NM_001354904.2, NM_001407451.1); c.424del, p.Glu142fs (NM_001354900.2, NM_001354901.2, NM_001354905.2 and 1 more transcripts); c.-435del (NM_001354906.2, NM_001407470.1, NM_001407471.1 and 1 more transcripts); short protein forms E142fs, E176fs, E201fs, E211fs.
Identifiers: ClinVar variation 2584118 (VCV002584118.2), dbSNP rs2532488226, ClinGen allele CA658760487.

ClinVar aggregate classification (germline): Pathogenic (1 of 4 stars; one submission).

Conditions:
Familial adenomatous polyposis 1 (FAP1). Also called: FAMILIAL ADENOMATOUS POLYPOSIS 1, ATTENUATED; POLYPOSIS, ADENOMATOUS INTESTINAL. Identifiers: MedGen C2713442, MONDO:0021056, OMIM 175100. Disease mechanism: loss of function.

Submission:

Myriad Genetics, Inc.
Classification: Pathogenic for Familial adenomatous polyposis 1. Last evaluated: 2023-04-27. Review status: criteria provided, single submitter. Criteria: Myriad Autosomal Dominant, Autosomal Recessive and X-Linked Classification Criteria (2023). Collection method: clinical testing. Allele origin: unknown.
Comment: This variant is considered pathogenic. This variant creates a frameshift predicted to result in premature protein truncation.